The following is an entry in ClinVar:

NM_058229.4(FBXO32):c.364G>C (p.Val122Leu)

Gene: FBXO32 (F-box protein 32; minus strand). Cytogenetic location: 8q24.13.
Variant type: single nucleotide variant.
Coding change: c.364G>C on transcript NM_058229.4 (MANE Select); coding-DNA position 364, G replaced by C.
Protein change: p.Val122Leu; replaces valine 122 with leucine.
Molecular consequence: missense variant. On other transcripts: 5 prime UTR variant (1).
Genome position (GRCh38, 1-based): chr8:123,531,906, C>G on the plus strand (G>C on the coding strand, the complement: FBXO32 is on the minus strand). VCF-style: chr8-123531906-C-G. GRCh37 (hg19) VCF-style: chr8-124544146-C-G.
Other names: c.364G>C, p.Val122Leu (NM_001242463.2); c.-72G>C (NM_148177.3); short protein forms V122L.
Identifiers: ClinVar variation 4530629 (VCV004530629.1).

ClinVar aggregate classification (germline): Uncertain significance (1 of 4 stars; one submission).

Conditions:
Primary familial hypertrophic cardiomyopathy (HCM). Identifiers: Orphanet 99739, MedGen C0949658, MeSH D024741, MONDO:0024573. Inheritance: Various modes of inheritance.

gnomAD v4.1: 29 of 1,613,932 alleles (0.0018%); highest among the groups gnomAD compares: Non-Finnish European, 0.0024%; no homozygotes.

Submission:

Petrovsky National Research Centre of Surgery, The Federal Agency for Scientific Organizations
Classification: Uncertain significance for Primary familial hypertrophic cardiomyopathy. Last evaluated: 2025-11-24. Review status: criteria provided, single submitter. Criteria: ACMG Guidelines, 2015. Collection method: clinical testing. Allele origin: germline. Affected: yes. Observed: 1 variant allele.
Comment: The variant is in The Genome Aggregation Database (gnomAD) v4.1.0 with total 0.00001797. (Date of access 2025-11-24). In accordance with ACMG (2015) criteria this variant is classified as Uncertain significance with following criteria selected: PM2, PP3.